The following is an entry in ClinVar:

NM_017763.6(RNF43):c.1733C>G (p.Ser578Cys)

Gene: RNF43 (ring finger protein 43; minus strand). Cytogenetic location: 17q22.
Variant type: single nucleotide variant.
Coding change: c.1733C>G on transcript NM_017763.6 (MANE Select); coding-DNA position 1733, C replaced by G.
Protein change: p.Ser578Cys; replaces serine 578 with cysteine.
Molecular consequence: missense variant.
Genome position (GRCh38, 1-based): chr17:58,358,043, G>C on the plus strand (C>G on the coding strand, the complement: RNF43 is on the minus strand). VCF-style: chr17-58358043-G-C. GRCh37 (hg19) VCF-style: chr17-56435404-G-C.
Other names: c.1733C>G, p.Ser578Cys (NM_001305544.3, NM_001438820.1, NM_001438821.1 and 1 more transcripts); c.1352C>G, p.Ser451Cys (NM_001305545.2, NM_001437987.1); short protein forms S578C, S451C.
Identifiers: ClinVar variation 4155734 (VCV004155734.1).

ClinVar aggregate classification (germline): Uncertain significance (1 of 4 stars; one submission).

gnomAD v4.1: 1 of 1,590,710 alleles (0.000063%); highest among the groups gnomAD compares: African/African-American, 0.0013%; no homozygotes.

Submission:

Ambry Genetics
Classification: Uncertain significance. Last evaluated: 2025-06-29. Review status: criteria provided, single submitter. Criteria: Ambry Variant Classification Scheme 2023. Collection method: clinical testing. Allele origin: germline.
Comment: The p.S578C variant (also known as c.1733C>G), located in coding exon 8 of the RNF43 gene, results from a C to G substitution at nucleotide position 1733. The serine at codon 578 is replaced by cysteine, an amino acid with dissimilar properties. This amino acid position is conserved. In addition, this alteration is predicted to be tolerated by in silico analysis. Based on the available evidence, the clinical significance of this variant remains unclear.